The following is an entry in ClinVar:

ClinVar aggregate classification (germline): Uncertain significance (1 of 4 stars; one submission).

Conditions:
Holoprosencephaly 5 (HPE5). Identifiers: Orphanet 2162, MedGen C1864827, MONDO:0012322, OMIM 609637.

Allele frequency attached by ClinVar (database versions not stated): TOPMed below 0.00001.

Submission:

Labcorp Genetics (formerly Invitae), Labcorp
Classification: Uncertain significance for Holoprosencephaly 5. Last evaluated: 2022-06-04. Review status: criteria provided, single submitter. Criteria: Invitae Variant Classification Sherloc (09022015). Collection method: clinical testing. Allele origin: germline.
Comment: This sequence change replaces serine, which is neutral and polar, with asparagine, which is neutral and polar, at codon 514 of the ZIC2 protein (p.Ser514Asn). This variant is not present in population databases (gnomAD no frequency). This variant has not been reported in the literature in individuals affected with ZIC2-related conditions. Algorithms developed to predict the effect of missense changes on protein structure and function are either unavailable or do not agree on the potential impact of this missense change (SIFT: "Deleterious"; PolyPhen-2: "Not Available"; Align-GVGD: "Class C0"). In summary, the available evidence is currently insufficient to determine the role of this variant in disease. Therefore, it has been classified as a Variant of Uncertain Significance.

NM_007129.5(ZIC2):c.1541G>A (p.Ser514Asn)

Gene: ZIC2 (Zic family zinc finger 2; plus strand). Cytogenetic location: 13q32.3.
Variant type: single nucleotide variant.
Coding change: c.1541G>A on transcript NM_007129.5 (MANE Select); coding-DNA position 1541, G replaced by A.
Protein change: p.Ser514Asn; replaces serine 514 with asparagine.
Molecular consequence: missense variant.
Genome position (GRCh38, 1-based): chr13:99,985,624, G>A. VCF-style: chr13-99985624-G-A. GRCh37 (hg19) VCF-style: chr13-100637878-G-A.
Other names: short protein forms S514N.
Identifiers: ClinVar variation 1984912 (VCV001984912.4), dbSNP rs1173078396, ClinGen allele CA388639773.